The following is an entry in ClinVar:

NM_001367561.1(DOCK7):c.3159del (p.Ser1054fs)

Gene: DOCK7 (dedicator of cytokinesis 7; minus strand). Cytogenetic location: 1p31.3.
Variant type: Deletion.
Coding change: c.3159del on transcript NM_001367561.1 (MANE Select); coding-DNA position 3159, one base deleted (T; older notation c.3159delT).
Protein change: p.Ser1054fs; shifts the reading frame from serine 1054.
Molecular consequence: frameshift variant.
Genome position (GRCh38, 1-based): chr1:62,539,779, A deleted on the plus strand (T on the coding strand, the reverse complement: DOCK7 is on the minus strand). VCF-style (leftmost placement, unchanged base first): chr1-62539778-TA-T. GRCh37 (hg19) VCF-style: chr1-63005449-TA-T.
Other names: c.3159del, p.Ser1054fs (NM_001271999.2, NM_001330614.2); c.3066del, p.Ser1023fs (NM_001272000.2, NM_001272001.2, NM_033407.4); short protein forms S1054fs, S1023fs.
Identifiers: ClinVar variation 2810329 (VCV002810329.3), dbSNP rs2524782520, ClinGen allele CA2739272593.
Genomic context (GRCh38, chr1:62,539,778, plus strand): 5'-AAAGAGAGATAAGTGGGGAAAAAGTTATCATTACCTTCTGAAATCGTGAAACTATATCAC[TA>T]GCAATCGTGCTGACAAGAGCTGCAATGTCATCCATGAAACGTTCTGGAAAACGACTTTTC-3'

ClinVar aggregate classification (germline): Pathogenic (1 of 4 stars; one submission).

Conditions:
Developmental and epileptic encephalopathy, 23 (DEE23). Also called: Epileptic encephalopathy, early infantile, 23. Identifiers: Orphanet 411986, MedGen C4014492, MONDO:0014371, OMIM 615859.

Submission:

Labcorp Genetics (formerly Invitae), Labcorp
Classification: Pathogenic for Developmental and epileptic encephalopathy, 23. Last evaluated: 2023-01-11. Review status: criteria provided, single submitter. Criteria: Invitae Variant Classification Sherloc (09022015). Collection method: clinical testing. Allele origin: germline.
Comment: This sequence change creates a premature translational stop signal (p.Ser1054Valfs*3) in the DOCK7 gene. It is expected to result in an absent or disrupted protein product. Loss-of-function variants in DOCK7 are known to be pathogenic (PMID: 24814191). This variant is not present in population databases (gnomAD no frequency). This variant has not been reported in the literature in individuals affected with DOCK7-related conditions. For these reasons, this variant has been classified as Pathogenic.

Literature cited by the submitters: PubMed 24814191.